The following is an entry in ClinVar:

NM_144687.4(NLRP12):c.3028del (p.Ala1009_Leu1010insTer)

Gene: NLRP12 (NLR family pyrin domain containing 12; minus strand). Cytogenetic location: 19q13.42.
Variant type: Deletion.
Coding change: c.3028del on transcript NM_144687.4 (MANE Select); coding-DNA position 3028, one base deleted (C; older notation c.3028delC).
Protein change: p.Ala1009_Leu1010insTer.
Molecular consequence: nonsense.
Genome position (GRCh38, 1-based): chr19:53,795,929, G deleted on the plus strand (C on the coding strand, the reverse complement: NLRP12 is on the minus strand); the first of 3 consecutive G bases (chr19:53,795,929-53,795,931); deleting any one gives the same sequence. VCF-style (leftmost placement, unchanged base first): chr19-53795928-AG-A. GRCh37 (hg19) VCF-style: chr19-54299182-AG-A.
Other names: c.3031del, p.Ala1010_Leu1011insTer (NM_001277126.2); c.2857del, p.Ala952_Leu953insTer (NM_001277129.1).
Identifiers: ClinVar variation 999766 (VCV000999766.6), dbSNP rs2091749130, ClinGen allele CA2342528485.

ClinVar aggregate classification (germline): Uncertain significance (1 of 4 stars; one submission).

Conditions:
Familial cold autoinflammatory syndrome 2 (FCAS2). Identifiers: Orphanet 247868, MedGen C2673198, MONDO:0012724, OMIM 611762.

Submission:

Labcorp Genetics (formerly Invitae), Labcorp
Classification: Uncertain significance for Familial cold autoinflammatory syndrome 2. Last evaluated: 2023-11-27. Review status: criteria provided, single submitter. Criteria: Invitae Variant Classification Sherloc (09022015). Collection method: clinical testing. Allele origin: germline.
Comment: This sequence change creates a premature translational stop signal (p.Leu1010*) in the NLRP12 gene. It is expected to result in an absent or disrupted protein product. However, the current clinical and genetic evidence is not sufficient to establish whether loss-of-function variants in NLRP12 cause disease. This variant is not present in population databases (gnomAD no frequency). This variant has not been reported in the literature in individuals affected with NLRP12-related conditions. ClinVar contains an entry for this variant (Variation ID: 999766). In summary, the available evidence is currently insufficient to determine the role of this variant in disease. Therefore, it has been classified as a Variant of Uncertain Significance.